The following is an entry in ClinVar:

ClinVar aggregate classification (germline): Uncertain significance. Review status: criteria provided, multiple submitters, no conflicts (2 of 4 stars). 2 submissions from 2 submitters: Uncertain significance (2). Last evaluated 2022-07-11.

Conditions:
Bethlem myopathy 1A. Also called: Bethlem myopathy 1; Bethlem Muscular Dystrophy; MYOPATHY, BENIGN CONGENITAL, WITH CONTRACTURES. Identifiers: Orphanet 610, MedGen CN029274, MONDO:0024530, OMIM 158810.

Allele frequency attached by ClinVar (database versions not stated): TOPMed below 0.00001.

Submissions (2):

Labcorp Genetics (formerly Invitae), Labcorp
Classification: Uncertain significance for Bethlem myopathy 1A. Last evaluated: 2022-07-11. Review status: criteria provided, single submitter. Criteria: Invitae Variant Classification Sherloc (09022015). Collection method: clinical testing. Allele origin: germline.
Comment: In summary, the available evidence is currently insufficient to determine the role of this variant in disease. Therefore, it has been classified as a Variant of Uncertain Significance. Algorithms developed to predict the effect of missense changes on protein structure and function (SIFT, PolyPhen-2, Align-GVGD) all suggest that this variant is likely to be tolerated. ClinVar contains an entry for this variant (Variation ID: 1490587). This variant has not been reported in the literature in individuals affected with COL6A2-related conditions. This variant is not present in population databases (gnomAD no frequency). This sequence change replaces proline, which is neutral and non-polar, with serine, which is neutral and polar, at codon 524 of the COL6A2 protein (p.Pro524Ser).

Revvity Omics, Revvity
Classification: Uncertain significance. Last evaluated: 2021-02-20. Review status: criteria provided, single submitter. Criteria: ACMG Guidelines, 2015. Collection method: clinical testing. Allele origin: germline.

NM_001849.4(COL6A2):c.1570C>T (p.Pro524Ser)

Gene: COL6A2 (collagen type VI alpha 2 chain; plus strand). Cytogenetic location: 21q22.3.
Variant type: single nucleotide variant.
Coding change: c.1570C>T on transcript NM_001849.4 (MANE Select); coding-DNA position 1570, C replaced by T.
Protein change: p.Pro524Ser; replaces proline 524 with serine.
Molecular consequence: missense variant.
Genome position (GRCh38, 1-based): chr21:46,122,156, C>T. VCF-style: chr21-46122156-C-T. GRCh37 (hg19) VCF-style: chr21-47542070-C-T.
Other names: c.1570C>T, p.Pro524Ser (NM_058174.3, NM_058175.3); short protein forms P524S.
Identifiers: ClinVar variation 1490587 (VCV001490587.9), dbSNP rs2078577021, ClinGen allele CA410533874.
Genomic context (GRCh38, chr21:46,122,156, plus strand): 5'-GTCCTCCTCCAGGGAGACCCCGGCAGGCCTGGATTCAGCTACCCAGGACCCCGAGGAGCA[C>T]CCGTGAGTCACAGCCTGGGATGGCAGCTCCCAGGAGTGGGTGGACATTGTCCCAAGGGCC-3'
Protein context (NP_001840.3, residues 514-534): GFSYPGPRGA[Pro524Ser]GEKGEPGPRG